The following is an entry in ClinVar:

ClinVar aggregate classification (germline): Pathogenic. Review status: criteria provided, single submitter (1 of 4 stars). 4 submissions from 4 submitters: Pathogenic (1). 3 of the submissions do not count toward it. Last evaluated 2025-05-22.

Conditions:
Cerebral arteriopathy, autosomal dominant, with subcortical infarcts and leukoencephalopathy, type 2 (CADASIL2). Identifiers: MedGen C4225211, MONDO:0014768, OMIM 616779.
Cerebral arteriopathy, autosomal recessive, with subcortical infarcts and leukoencephalopathy 2. Also called: MAEDA SYNDROME; CEREBROVASCULAR DISEASE WITH THIN SKIN, ALOPECIA, AND DISC DISEASE; SUBCORTICAL VASCULAR ENCEPHALOPATHY, PROGRESSIVE; CARASIL syndrome; Cerebral autosomal recessive arteriopathy with subcortical infarcts and leukoencephalopathy. Identifiers: Orphanet 199354, MedGen C6022615, MONDO:0010829, OMIM 600142.

Allele frequency attached by ClinVar (database versions not stated): gnomAD exomes below 0.00001; ExAC 0.00001.
gnomAD v4.1: 5 of 1,613,742 alleles (0.00031%); highest among the groups gnomAD compares: East Asian, 0.0022%; no homozygotes.

Submissions (4):

Clinical Genetics Laboratory, Skane University Hospital Lund
Classification: Pathogenic for Cerebral arteriopathy, autosomal dominant, with subcortical infarcts and leukoencephalopathy, type 2. Last evaluated: 2025-05-22. Review status: criteria provided, single submitter. Criteria: ACMG Guidelines, 2015. Collection method: clinical testing. Allele origin: germline. Affected: yes.
Comment: PS3, PS4_Moderate, PM2, PP1 and PP4_Strong

OMIM
Classification: Pathogenic for CEREBRAL ARTERIOPATHY, AUTOSOMAL RECESSIVE, WITH SUBCORTICAL INFARCTS AND LEUKOENCEPHALOPATHY 2. Last evaluated: 2009-04-23. Review status: no assertion criteria provided. Collection method: literature only. Allele origin: germline. Not counted in ClinVar's aggregate classification.

GeneReviews
No classification provided. Condition: Cerebral arteriopathy, autosomal recessive, with subcortical infarcts and leukoencephalopathy 2. Review status: no classification provided. Collection method: literature only. Allele origin: germline. Affected: yes. Not counted in ClinVar's aggregate classification.

UniProtKB/Swiss-Prot
No classification provided. Condition: Cerebral autosomal recessive arteriopathy with subcortical infarcts and leukoencephalopathy. Review status: no classification provided. Collection method: not provided. Allele origin: not provided. Not counted in ClinVar's aggregate classification.

Literature cited by the submitters: PubMed 19387015 (cited by OMIM); PubMed 11889251 (cited by GeneReviews); NCBI Bookshelf NBK32533 (cited by GeneReviews).

NM_002775.5(HTRA1):c.754G>A (p.Ala252Thr)

Gene: HTRA1 (HtrA serine peptidase 1; plus strand). Cytogenetic location: 10q26.13.
Variant type: single nucleotide variant.
Coding change: c.754G>A on transcript NM_002775.5 (MANE Select); coding-DNA position 754, G replaced by A.
Protein change: p.Ala252Thr; replaces alanine 252 with threonine.
Molecular consequence: missense variant.
Genome position (GRCh38, 1-based): chr10:122,489,603, G>A. VCF-style: chr10-122489603-G-A. GRCh37 (hg19) VCF-style: chr10-124249119-G-A.
Other names: p.aAla252Thr; short protein forms A252T.
Identifiers: ClinVar variation 7490 (VCV000007490.3), dbSNP rs113993968, ClinGen allele CA340686.
Genomic context (GRCh38, chr10:122,489,603, plus strand): 5'-CTGAAGAACGGTGCCACTTACGAAGCCAAAATCAAGGATGTGGATGAGAAAGCAGACATC[G>A]CACTCATCAAAATTGACCACCAGGTAAGGGTGTTCTCGCCTGCAGAGGTGAGTTCTCAGA-3'
Protein context (NP_002766.1, residues 242-262): IKDVDEKADI[Ala252Thr]LIKIDHQGKL